The following is an entry in ClinVar:

NM_001148.6(ANK2):c.9173G>A (p.Arg3058His)

Gene: ANK2 (ankyrin 2; plus strand). Cytogenetic location: 4q26.
Variant type: single nucleotide variant.
Coding change: c.9173G>A on transcript NM_001148.6 (MANE Select); coding-DNA position 9173, G replaced by A.
Protein change: p.Arg3058His; replaces arginine 3058 with histidine.
Molecular consequence: missense variant. On other transcripts: intron variant (68).
Genome position (GRCh38, 1-based): chr4:113,357,791, G>A. VCF-style: chr4-113357791-G-A. GRCh37 (hg19) VCF-style: chr4-114278947-G-A.
Other names: c.8939G>A, p.Arg2980His (NM_001386142.1); c.5573G>A, p.Arg1858His (NM_001386166.1); c.9314G>A, p.Arg3105His (NM_001386174.1); c.9290G>A, p.Arg3097His (NM_001386175.1); c.4412-3032G>A (NM_001386186.2, NM_001386148.2); c.4214-3032G>A (NM_001354269.3); c.4292-3032G>A (NM_001386187.2); c.4253-3032G>A (NM_001386147.1); and 35 more; short protein forms R3058H, R1858H, R2980H, R3097H, R3105H.
Identifiers: ClinVar variation 180273 (VCV000180273.14), dbSNP rs730880048, ClinGen allele CA346177.

ClinVar aggregate classification (germline): Uncertain significance. Review status: criteria provided, multiple submitters, no conflicts (2 of 4 stars). 4 submissions from 4 submitters: Uncertain significance (4). Last evaluated 2023-12-29.

Conditions:
Long QT syndrome (LQTS). Identifiers: MedGen C0023976, MeSH D008133, MONDO:0002442. Disease mechanism: loss of function. Inheritance: Various modes of inheritance.
Cardiac arrhythmia, ankyrin-B-related. Also called: ANKYRIN-B SYNDROME. Identifiers: Orphanet 101016, Orphanet 768, MedGen C1970119, MONDO:0010958, OMIM 600919.

Allele frequency attached by ClinVar (database versions not stated): gnomAD exomes below 0.00001; ExAC 0.00001; gnomAD 0.00001; TOPMed 0.00001.
gnomAD v4.1: 7 of 1,613,816 alleles (0.00043%); highest among the groups gnomAD compares: African/African-American, 0.0013%; no homozygotes.

Submissions (4):

Blueprint Genetics
Classification: Uncertain significance. Last evaluated: 2023-12-29. Review status: criteria provided, single submitter. Criteria: ACMG Guidelines, 2015. Collection method: clinical testing. Allele origin: germline.

GeneDx
Classification: Uncertain significance. Last evaluated: 2023-11-30. Review status: criteria provided, single submitter. Criteria: GeneDx Variant Classification Process June 2021. Collection method: clinical testing. Allele origin: germline. Affected: yes.
Comment: Identified in a patient from a cohort with neurodevelopmental disorders in published literature (PMID: 28191889); Not observed at significant frequency in large population cohorts (gnomAD); Located in exon 38, which is reported as being expressed in a brain-specific transcript (PMID: 1830053, 18790697, 26109584); In silico analysis supports that this missense variant has a deleterious effect on protein structure/function; This variant is associated with the following publications: (PMID: 1830053, 18790697, 26109584, 28191889, 33004838)

Labcorp Genetics (formerly Invitae), Labcorp
Classification: Uncertain significance for Long QT syndrome. Last evaluated: 2020-12-06. Review status: criteria provided, single submitter. Criteria: Invitae Variant Classification Sherloc (09022015). Collection method: clinical testing. Allele origin: germline.
Comment: In summary, the available evidence is currently insufficient to determine the role of this variant in disease. Therefore, it has been classified as a Variant of Uncertain Significance. Algorithms developed to predict the effect of missense changes on protein structure and function are either unavailable or do not agree on the potential impact of this missense change (SIFT: "Tolerated"; PolyPhen-2: "Probably Damaging"; Align-GVGD: "Class C0"). This variant has not been reported in the literature in individuals with ANK2-related conditions. ClinVar contains an entry for this variant (Variation ID: 180273). This variant is present in population databases (rs730880048, ExAC 0.002%). This sequence change replaces arginine with histidine at codon 3058 of the ANK2 protein (p.Arg3058His). The arginine residue is moderately conserved and there is a small physicochemical difference between arginine and histidine.

Illumina Laboratory Services, Illumina
Classification: Uncertain significance for Cardiac arrhythmia, ankyrin-B-related. Last evaluated: 2018-01-13. Review status: criteria provided, single submitter. Criteria: ICSL Variant Classification Criteria 13 December 2019. Collection method: clinical testing. Allele origin: germline.